The following is an entry in ClinVar:

NM_007294.4(BRCA1):c.4916del (p.Glu1638_Leu1639insTer)

Gene: BRCA1 (BRCA1 DNA repair associated; minus strand). Cytogenetic location: 17q21.31.
Variant type: Deletion.
Coding change: c.4916del on transcript NM_007294.4 (MANE Select); coding-DNA position 4916, one base deleted (T; older notation c.4916delT).
Protein change: p.Glu1638_Leu1639insTer.
Molecular consequence: nonsense. On other transcripts: intron variant (1).
Genome position (GRCh38, 1-based): chr17:43,070,998, A deleted on the plus strand (T on the coding strand, the reverse complement: BRCA1 is on the minus strand); the first of 2 consecutive A bases (chr17:43,070,998-43,070,999); deleting either gives the same sequence. VCF-style (leftmost placement, unchanged base first): chr17-43070997-CA-C. GRCh37 (hg19) VCF-style: chr17-41223014-CA-C.
Other names: c.4703del, p.Glu1567_Leu1568insTer (NM_001407571.1, NM_001407894.1, NM_001407895.1 and 12 more transcripts); c.4982del, p.Glu1660_Leu1661insTer (NM_001407581.1, NM_001407582.1); c.4979del, p.Glu1659_Leu1660insTer (NM_001407583.1, NM_001407585.1, NM_001407587.1 and 1 more transcripts); c.4976del, p.Glu1658_Leu1659insTer (NM_001407590.1, NM_001407591.1); c.4916del, p.Glu1638_Leu1639insTer (NM_001407593.1, NM_001407594.1, NM_001407596.1 and 8 more transcripts); c.4913del, p.Glu1637_Leu1638insTer (NM_001407610.1, NM_001407611.1, NM_001407612.1 and 17 more transcripts); c.4910del, p.Glu1636_Leu1637insTer (NM_001407627.1, NM_001407628.1, NM_001407629.1 and 14 more transcripts); c.4907del, p.Glu1635_Leu1636insTer (NM_001407644.1, NM_001407645.1); and 71 more.
Identifiers: ClinVar variation 3717866 (VCV003717866.2).

ClinVar aggregate classification (germline): Pathogenic (1 of 4 stars; one submission).

Conditions:
Hereditary breast ovarian cancer syndrome. Also called: Breast and ovarian cancer; BRCA1- and BRCA2-Associated Hereditary Breast and Ovarian Cancer; Hereditary breast and/or ovarian cancer syndrome; Hereditary breast and ovarian cancer; Hereditary breast and ovarian cancer syndrome (HBOC); Hereditary breast and ovarian cancer syndrome. Identifiers: Orphanet 145, MedGen C0677776, MeSH D061325, MONDO:0003582. Disease mechanism: loss of function.

Submission:

Labcorp Genetics (formerly Invitae), Labcorp
Classification: Pathogenic for Hereditary breast ovarian cancer syndrome. Last evaluated: 2024-09-18. Review status: criteria provided, single submitter. Criteria: Invitae Variant Classification Sherloc (09022015). Collection method: clinical testing. Allele origin: germline.
Comment: This sequence change creates a premature translational stop signal (p.Leu1639*) in the BRCA1 gene. It is expected to result in an absent or disrupted protein product. Loss-of-function variants in BRCA1 are known to be pathogenic (PMID: 20104584). This variant is not present in population databases (gnomAD no frequency). This variant has not been reported in the literature in individuals affected with BRCA1-related conditions. Algorithms developed to predict the effect of sequence changes on RNA splicing suggest that this variant may disrupt the consensus splice site. For these reasons, this variant has been classified as Pathogenic.

Literature cited by the submitters: PubMed 20104584.